The following is an entry in ClinVar:

ClinVar aggregate classification (germline): Uncertain significance. Review status: criteria provided, multiple submitters, no conflicts (2 of 4 stars). 2 submissions from 2 submitters: Uncertain significance (2). Last evaluated 2023-05-31.

Allele frequency attached by ClinVar (database versions not stated): TOPMed 0.00007; ExAC 0.00008; ESP Exome Variant Server 0.00008; gnomAD 0.00009; 1000 Genomes Project 30x 0.00016; gnomAD exomes 0.00016; 1000 Genomes Project 0.00020.
gnomAD v4.1: 244 of 1,605,928 alleles (0.015%); highest among the groups gnomAD compares: Non-Finnish European, 0.02%; no homozygotes.

Submissions (2):

GeneDx
Classification: Uncertain significance. Last evaluated: 2023-05-31. Review status: criteria provided, single submitter. Criteria: GeneDx Variant Classification Process June 2021. Collection method: clinical testing. Allele origin: germline. Affected: yes.
Comment: Normal stop codon changed to an arginine codon, leading to the addition of 15 amino acids at the C-terminus; Identified in the heterozygous state in a patient with endometrial and breast cancer (Singh et al., 2020); This variant is associated with the following publications: (PMID: 32634176)

CeGaT Center for Human Genetics Tuebingen
Classification: Uncertain significance. Last evaluated: 2023-05-01. Review status: criteria provided, single submitter. Criteria: CeGaT Center For Human Genetics Tuebingen Variant Classification Criteria Version 2. Collection method: clinical testing. Allele origin: germline. Affected: yes. Observed: 1 variant allele.
Comment: RFC1: PM2, PM4

NM_002913.5(RFC1):c.3442T>A (p.Ter1148Arg)

Gene: RFC1 (replication factor C subunit 1; minus strand). Cytogenetic location: 4p14.
Variant type: single nucleotide variant.
Coding change: c.3442T>A on transcript NM_002913.5 (MANE Select); coding-DNA position 3442, T replaced by A.
Protein change: p.Ter1148Arg.
Molecular consequence: stop lost.
Genome position (GRCh38, 1-based): chr4:39,288,763, A>T on the plus strand (T>A on the coding strand, the complement: RFC1 is on the minus strand). VCF-style: chr4-39288763-A-T. GRCh37 (hg19) VCF-style: chr4-39290383-A-T.
Other names: c.3445T>A, p.Ter1149Arg (NM_001204747.2); c.3364T>A, p.Ter1122Arg (NM_001363495.2); c.3367T>A, p.Ter1123Arg (NM_001363496.2); c.3445T>A (NM_001204747.1).
Identifiers: ClinVar variation 2654728 (VCV002654728.25), dbSNP rs149767968, ClinGen allele CA2892585.
Genomic context (GRCh38, chr4:39,288,763, plus strand): 5'-CCAGCTGGACTGGTCAGGAGGGAGAGTAAAAAGTGGCTGTCGCTAGTGAAAAATGGTTTC[A>T]TTTCTTCGAACTTTTTCCTTTTCCTTTTCTGGGCTCCTTATCTTTTTCTGGTTTTGAAGG-3'